The following is an entry in ClinVar:

ClinVar aggregate classification (germline): Pathogenic (1 of 4 stars; one submission).

Conditions:
Brugada syndrome 5 (BRGDA5). Identifiers: Orphanet 130, Orphanet 871, MedGen C2748541, MONDO:0013015, OMIM 612838.

Submission:

Labcorp Genetics (formerly Invitae), Labcorp
Classification: Pathogenic for Brugada syndrome 5. Last evaluated: 2025-10-02. Review status: criteria provided, single submitter. Criteria: Invitae Variant Classification Sherloc (09022015). Collection method: clinical testing. Allele origin: germline.
Comment: This sequence change creates a premature translational stop signal (p.Arg60Alafs*87) in the SCN1B gene. While this is not anticipated to result in nonsense mediated decay, it is expected to disrupt the last 209 amino acid(s) of the SCN1B protein. This variant is not present in population databases (gnomAD no frequency). This variant has not been reported in the literature in individuals affected with SCN1B-related conditions. This variant disrupts a region of the SCN1B protein in which other variant(s) (p.Trp179*) have been determined to be pathogenic (PMID: 18464934; internal data). This suggests that this is a clinically significant region of the protein, and that variants that disrupt it are likely to be disease-causing. For these reasons, this variant has been classified as Pathogenic.

Literature cited by the submitters: PubMed 18464934.

NM_001037.5(SCN1B):c.178del (p.Arg60fs)

Gene: SCN1B (sodium voltage-gated channel beta subunit 1; plus strand). Cytogenetic location: 19q13.11.
Variant type: Deletion.
Coding change: c.178del on transcript NM_001037.5 (MANE Select); coding-DNA position 178, one base deleted (C; older notation c.178delC).
Protein change: p.Arg60fs; shifts the reading frame from arginine 60.
Molecular consequence: frameshift variant.
Genome position (GRCh38, 1-based): chr19:35,032,665, C deleted; the last of 2 consecutive C bases (chr19:35,032,664-35,032,665); deleting either gives the same sequence. VCF-style (leftmost placement, unchanged base first): chr19-35032663-TC-T. GRCh37 (hg19) VCF-style: chr19-35523567-TC-T.
Other names: c.79del, p.Arg27fs (NM_001321605.2); c.178del, p.Arg60fs (NM_199037.5); short protein forms R27fs, R60fs.
Identifiers: ClinVar variation 4728335 (VCV004728335.1).